The following is an entry in ClinVar:

ClinVar aggregate classification (germline): Likely benign (1 of 4 stars; one submission).

Allele frequency attached by ClinVar (database versions not stated): gnomAD exomes 0.00067; gnomAD 0.00304; ExAC 0.00459; 1000 Genomes Project 0.00479; 1000 Genomes Project 30x 0.00500.
gnomAD v4.1: 1,411 of 1,550,550 alleles (0.091%); highest among the groups gnomAD compares: African/African-American, 0.9%; 15 homozygotes.

Submission:

CeGaT Center for Human Genetics Tuebingen
Classification: Likely benign. Last evaluated: 2022-10-01. Review status: criteria provided, single submitter. Criteria: CeGaT Center For Human Genetics Tuebingen Variant Classification Criteria Version 2. Collection method: clinical testing. Allele origin: germline. Affected: yes. Observed: 1 variant allele.
Comment: VIPR2: BP4, BP7

NM_003382.5(VIPR2):c.357+6853C>T

Genes: VIPR2 (vasoactive intestinal peptide receptor 2; minus strand), LOC110121203 (VISTA enhancer hs1753; plus strand). Cytogenetic location: 7q36.3.
Variant type: single nucleotide variant.
Coding change: c.357+6853C>T on transcript NM_003382.5 (MANE Select); 6853 bases into the intron after coding-DNA position 357, C replaced by T.
Molecular consequence: intron variant. On other transcripts: synonymous variant (1).
Genome position (GRCh38, 1-based): chr7:159,096,904, G>A on the plus strand (C>T on the coding strand, the complement: VIPR2 is on the minus strand). VCF-style: chr7-159096904-G-A. GRCh37 (hg19) VCF-style: chr7-158889595-G-A.
Other names: c.240C>T, p.Asn80= (NM_001308259.1); c.357+6853C>T (NM_001304522.2).
Identifiers: ClinVar variation 2658286 (VCV002658286.24), dbSNP rs533811103, ClinGen allele CA4595657.